The following is an entry in ClinVar:

NC_000023.11:g.(?_32216906)_(32699303_?)del

Gene: DMD (dystrophin; minus strand). Cytogenetic location: Xp21.1.
Variant type: Deletion.
Identifiers: ClinVar variation 832679 (VCV000832679.1).

ClinVar aggregate classification (germline): Pathogenic (1 of 4 stars; one submission).

Conditions:
Duchenne muscular dystrophy (DMD). Also called: Duchenne Muscular Dystrophy (DMD); MUSCULAR DYSTROPHY, PSEUDOHYPERTROPHIC PROGRESSIVE, DUCHENNE TYPE. Identifiers: Orphanet 98896, MedGen C0013264, MONDO:0010679, OMIM 310200.

Submission:

Labcorp Genetics (formerly Invitae), Labcorp
Classification: Pathogenic for Duchenne muscular dystrophy. Last evaluated: 2019-02-01. Review status: criteria provided, single submitter. Criteria: Invitae Variant Classification Sherloc (09022015). Collection method: clinical testing. Allele origin: germline.
Comment: This variant is an out-of-frame deletion of the genomic region encompassing exons 8-44 of the DMD gene. This is expected to create a premature translational stop signal and result in an absent or disrupted protein product. Similar deletions of exons 8-44 have been observed in individuals affected with DMD-related dystrophinopathy (PMID: 12111668, 25076844). Loss-of-function variants in DMD are known to be pathogenic (PMID: 16770791, 25007885). For these reasons, this variant has been classified as Pathogenic.

Literature cited by the submitters: PubMed 12111668; PubMed 25076844.